The following is an entry in ClinVar:

ClinVar aggregate classification (germline): Uncertain significance (1 of 4 stars; one submission).

Allele frequency attached by ClinVar (database versions not stated): gnomAD 0.00001; TOPMed 0.00001; gnomAD exomes 0.00002.
gnomAD v4.1: 26 of 1,613,858 alleles (0.0016%); highest among the groups gnomAD compares: Non-Finnish European, 0.0019%; no homozygotes.

Submission:

Labcorp Genetics (formerly Invitae), Labcorp
Classification: Uncertain significance. Last evaluated: 2024-04-15. Review status: criteria provided, single submitter. Criteria: Invitae Variant Classification Sherloc (09022015). Collection method: clinical testing. Allele origin: germline.
Comment: This sequence change replaces glutamine, which is neutral and polar, with proline, which is neutral and non-polar, at codon 260 of the GHSR protein (p.Gln260Pro). This variant is present in population databases (no rsID available, gnomAD 0.007%). This variant has not been reported in the literature in individuals affected with GHSR-related conditions. Advanced modeling of protein sequence and biophysical properties (such as structural, functional, and spatial information, amino acid conservation, physicochemical variation, residue mobility, and thermodynamic stability) performed at Invitae indicates that this missense variant is not expected to disrupt GHSR protein function with a negative predictive value of 80%. In summary, the available evidence is currently insufficient to determine the role of this variant in disease. Therefore, it has been classified as a Variant of Uncertain Significance.

NM_198407.2(GHSR):c.779A>C (p.Gln260Pro)

Gene: GHSR (growth hormone secretagogue receptor; minus strand). Cytogenetic location: 3q26.31.
Variant type: single nucleotide variant.
Coding change: c.779A>C on transcript NM_198407.2 (MANE Select); coding-DNA position 779, A replaced by C.
Protein change: p.Gln260Pro; replaces glutamine 260 with proline.
Molecular consequence: missense variant.
Genome position (GRCh38, 1-based): chr3:172,447,635, T>G on the plus strand (A>C on the coding strand, the complement: GHSR is on the minus strand). VCF-style: chr3-172447635-T-G. GRCh37 (hg19) VCF-style: chr3-172165425-T-G.
Other names: c.779A>C, p.Gln260Pro (NM_004122.2); short protein forms Q260P.
Identifiers: ClinVar variation 2983795 (VCV002983795.3), dbSNP rs1163068621, ClinGen allele CA355513571.